The following is an entry in ClinVar:

ClinVar aggregate classification (germline): Uncertain significance (1 of 4 stars; one submission).

Conditions:
Short stature-pituitary and cerebellar defects-small sella turcica syndrome (CPHD4). Also called: Pituitary hormone deficiency, combined with or without cerebellar defects; Short stature, pituitary and cerebellar defects and small sella turcica. Identifiers: Orphanet 85442, MedGen C2678408, MONDO:0009880, OMIM 262700.

Submission:

Centre for Mendelian Genomics, University Medical Centre Ljubljana
Classification: Uncertain significance for Short stature-pituitary and cerebellar defects-small sella turcica syndrome. Last evaluated: 2019-06-26. Review status: criteria provided, single submitter. Criteria: ACMG Guidelines, 2015. Collection method: clinical testing. Allele origin: unknown. Affected: yes.
Comment: This variant was classified as: Uncertain significance. The available evidence on this variant's pathogenicity is insufficient or conflicting. The following ACMG criteria were applied in classifying this variant: PM2,PP3.

NM_033343.4(LHX4):c.90C>G (p.Cys30Trp)

Gene: LHX4 (LIM homeobox 4; plus strand). Cytogenetic location: 1q25.2.
Variant type: single nucleotide variant.
Coding change: c.90C>G on transcript NM_033343.4 (MANE Select); coding-DNA position 90, C replaced by G.
Protein change: p.Cys30Trp; replaces cysteine 30 with tryptophan.
Molecular consequence: missense variant.
Genome position (GRCh38, 1-based): chr1:180,248,298, C>G. VCF-style: chr1-180248298-C-G. GRCh37 (hg19) VCF-style: chr1-180217433-C-G.
Other names: short protein forms C30W.
Identifiers: ClinVar variation 931541 (VCV000931541.3), dbSNP rs147491286, ClinGen allele CA343592799.
Genomic context (GRCh38, chr1:180,248,298, plus strand): 5'-GGGCTGTGTGGAAGGCTCACAGTGCCTCTCTCTCCTCTTCCTCACAGAGATTCCCCAGTG[C>G]GCTGGCTGCAACCAGCACATCCTGGACAAGTTCATCCTGAAGGTCCTGGACAGACACTGG-3'
Protein context (NP_203129.1, residues 20-40): LGVPMQQIPQ[Cys30Trp]AGCNQHILDK